The following is an entry in ClinVar:

NM_006231.4(POLE):c.1330_1331del (p.Met444fs)

Gene: POLE (DNA polymerase epsilon, catalytic subunit; minus strand). Cytogenetic location: 12q24.33.
Variant type: Deletion.
Coding change: c.1330_1331del on transcript NM_006231.4 (MANE Select); coding-DNA positions 1330 to 1331, 2 bases deleted (AT; older notation c.1330_1331delAT).
Protein change: p.Met444fs; shifts the reading frame from methionine 444.
Molecular consequence: frameshift variant.
Genome position (GRCh38, 1-based): chr12:132,673,603-132,673,604, AT deleted on the plus strand (AT on the coding strand, the reverse complement: POLE is on the minus strand). VCF-style (leftmost placement, unchanged base first): chr12-132673602-CAT-C. GRCh37 (hg19) VCF-style: chr12-133250188-CAT-C.
Other names: short protein forms M444fs.
Identifiers: ClinVar variation 4141203 (VCV004141203.1).
Genomic context (GRCh38, chr12:132,673,602, plus strand): 5'-GCAGCAGGGGCAGCCGGGATGTGGCTTACGTGCCTGGGGCTGCTCCGTGGCCATCCGGCA[CAT>C]GTCCTCCGGGTCTAGCTCCACGGGATCATAGCCTAGCTTGGCCTTGGCGGCCGCCTTGAG-3'

ClinVar aggregate classification (germline): Uncertain significance (1 of 4 stars; one submission).

Conditions:
Hereditary cancer-predisposing syndrome. Also called: Hereditary neoplastic syndrome; Neoplastic Syndromes, Hereditary; Tumor predisposition; Hereditary Cancer Syndrome. Identifiers: Orphanet 140162, MedGen C0027672, MeSH D009386, MONDO:0015356.

Submission:

Ambry Genetics
Classification: Uncertain significance for Hereditary cancer-predisposing syndrome. Last evaluated: 2025-08-26. Review status: criteria provided, single submitter. Criteria: Ambry Variant Classification Scheme 2023. Collection method: clinical testing. Allele origin: germline.
Comment: The c.1330_1331delAT variant, located in coding exon 13 of the POLE gene, results from a deletion of two nucleotides at nucleotide positions 1330 to 1331, causing a translational frameshift with a predicted alternate stop codon (p.M444Vfs*58). This alteration is expected to result in loss of function by premature protein truncation or nonsense-mediated mRNA decay. Although biallelic loss of function of POLE has been associated with autosomal recessive POLE deficiency, haploinsufficiency of POLE has not been established as a mechanism of disease for POLE-related polymerase proofreading-associated polyposis (PPAP) and POLE-related CMMRD-like syndrome. Based on the supporting evidence, this variant is expected to be causative of POLE deficiency when present along with a second pathogenic variant on the other allele; however, its clinical significance for PPAP and POLE-related CMMRD-like syndrome is unclear.